The following is an entry in ClinVar:

NM_006269.2(RP1):c.6181del (p.Ile2061fs)

Gene: RP1 (RP1 axonemal microtubule associated; plus strand). Cytogenetic location: 8q12.1.
Variant type: Deletion.
Coding change: c.6181del on transcript NM_006269.2 (MANE Select); coding-DNA position 6181, one base deleted (A; older notation c.6181delA).
Protein change: p.Ile2061fs; shifts the reading frame from isoleucine 2061.
Molecular consequence: frameshift variant. On other transcripts: intron variant (1).
Genome position (GRCh38, 1-based): chr8:54,630,063, A deleted; the last of 3 consecutive A bases (chr8:54,630,061-54,630,063); deleting any one gives the same sequence. VCF-style (leftmost placement, unchanged base first): chr8-54630060-GA-G. GRCh37 (hg19) VCF-style: chr8-55542620-GA-G.
Other names: c.6179del; p.Ile2061Serfs*12; c.787+7775del (NM_001375654.1); c.6181delA (NM_006269.2); short protein forms I2061fs.
Identifiers: ClinVar variation 1031616 (VCV001031616.18), dbSNP rs775367880, ClinGen allele CA4752199.

ClinVar aggregate classification (germline): Pathogenic/Likely pathogenic. Review status: criteria provided, multiple submitters, no conflicts (2 of 4 stars). 6 submissions from 6 submitters: Pathogenic (4); Likely pathogenic (2). Last evaluated 2026-10-19.

Conditions:
Retinal dystrophy. Also called: Inherited retinal dystrophy. Identifiers: Orphanet 71862, MedGen C0854723, MeSH D058499, MONDO:0019118, HP:0000556.
RP1-related recessive retinopathy. Identifiers: MedGen CN322605, MONDO:0800399.
RP1-related disorder. Also called: RP1-related condition.
Retinitis pigmentosa 1 (RP1). Identifiers: Orphanet 791, MedGen C0220701, MONDO:0008377, OMIM 180100.

Submissions (6):

Department of Ophthalmology, Seoul National University Bundang Hospital
Classification: Pathogenic for RP1-related recessive retinopathy. Last evaluated: 2026-10-19. Review status: criteria provided, single submitter. Criteria: ACMG Guidelines, 2015. Collection method: clinical testing. Allele origin: germline. Inheritance: Autosomal recessive inheritance. Affected: yes.
Comment: Frameshift variant in exon 4. It lies in an AAA run, so the same deletion is also described as c.6179del in some reports. Identified in a Korean multicenter RP1 cohort (PMID:42847597) with recessive cone-rod dystrophy, macular dystrophy and retinitis pigmentosa. ACMG/AMP criteria: PVS1, PM3, PM2. Previously reported by Dan et al., 2020 (PMID:31960602); Kurata et al., 2018 (PMID:30027431).

Labcorp Genetics (formerly Invitae), Labcorp
Classification: Pathogenic. Last evaluated: 2025-06-27. Review status: criteria provided, single submitter. Criteria: Invitae Variant Classification Sherloc (09022015). Collection method: clinical testing. Allele origin: germline.
Comment: This sequence change creates a premature translational stop signal (p.Ile2061Serfs*12) in the RP1 gene. While this is not anticipated to result in nonsense mediated decay, it is expected to disrupt the last 96 amino acid(s) of the RP1 protein. This variant is present in population databases (rs775367880, gnomAD 0.02%). This premature translational stop signal has been observed in individual(s) with autosomal recessive retinitis pigmentosa (PMID: 29425069, 30027431; internal data). In at least one individual the data is consistent with being in trans (on the opposite chromosome) from a pathogenic variant. ClinVar contains an entry for this variant (Variation ID: 1031616). For these reasons, this variant has been classified as Pathogenic.

3billion
Classification: Likely pathogenic for Retinitis pigmentosa 1. Last evaluated: 2024-06-24. Review status: criteria provided, single submitter. Criteria: ACMG Guidelines, 2015. Collection method: clinical testing. Allele origin: germline. Affected: yes.
Comment: The variant is observed at an extremely low frequency in the gnomAD v4.0.0 dataset (total allele frequency: 0.002%). Predicted Consequence/Location: Frameshift: predicted to result in a loss or disruption of normal protein function through protein truncation. The predicted truncated protein may be shortened by less than 10%. The variant has been reported to be in trans with a pathogenic variant as either compound heterozygous or homozygous in at least one similarly affected unrelated individual (PMID: 29425069, 30027431). The variant has been reported at least twice as pathogenic without evidence for the classification (ClinVar ID: VCV001031616 /PMID: 29425069 /3billion dataset). Therefore, this variant is classified as Likely pathogenic according to the recommendation of ACMG/AMP guideline.

Dept Of Ophthalmology, Nagoya University
Classification: Pathogenic for Retinal dystrophy. Last evaluated: 2023-10-01. Review status: criteria provided, single submitter. Criteria: Submitter's publication. Collection method: research. Allele origin: germline. Affected: yes.

Blueprint Genetics
Classification: Pathogenic for RP1-related disorders. Last evaluated: 2023-01-03. Review status: criteria provided, single submitter. Criteria: ACMG Guidelines, 2015. Collection method: clinical testing. Allele origin: germline. Affected: yes. Observed: 4 variant alleles.

Juno Genomics, Hangzhou Juno Genomics, Inc
Classification: Likely pathogenic for Retinitis pigmentosa 1. Review status: criteria provided, single submitter. Criteria: ACMG Guidelines, 2015. Collection method: clinical testing. Allele origin: germline.
Comment: Absent from controls (or at extremely low frequency if recessive) in Genome Aggregation Database.;Null variant in a gene where loss of function (LOF) is a known mechanism of disease.;For recessive disorders, detected in trans with a pathogenic variant.;Patient's phenotype or family history is highly specific for a disease with a single genetic etiology.

Literature cited by the submitters: PubMed 42847597 (cited by Department of Ophthalmology, Seoul National University Bundang Hospital); PubMed 31960602 (cited by Department of Ophthalmology, Seoul National University Bundang Hospital); PubMed 30027431 (cited by 3 submitters); PubMed 29425069 (cited by Labcorp Genetics (formerly Invitae), Labcorp and 3billion).